The following is an entry in ClinVar:

ClinVar aggregate classification (germline): Uncertain significance (1 of 4 stars; one submission).

Conditions:
Dyskeratosis congenita, autosomal dominant 2. Identifiers: MedGen C3151443, MONDO:0013521, OMIM 613989.
Idiopathic Pulmonary Fibrosis. Also called: Idiopathic fibrosing alveolitis, chronic form; idiopathic fibrosing alveolitis. Identifiers: Orphanet 2032, MedGen C1800706, MeSH D054990, MONDO:0800504.

Submission:

Labcorp Genetics (formerly Invitae), Labcorp
Classification: Uncertain significance for Dyskeratosis congenita, autosomal dominant 2; Idiopathic Pulmonary Fibrosis. Last evaluated: 2019-04-22. Review status: criteria provided, single submitter. Criteria: Invitae Variant Classification Sherloc (09022015). Collection method: clinical testing. Allele origin: germline.
Comment: Algorithms developed to predict the effect of missense changes on protein structure and function (SIFT, PolyPhen-2, Align-GVGD) all suggest that this variant is likely to be disruptive, but these predictions have not been confirmed by published functional studies and their clinical significance is uncertain. This sequence change replaces aspartic acid with tyrosine at codon 869 of the TERT protein (p.Asp869Tyr). The aspartic acid residue is highly conserved and there is a large physicochemical difference between aspartic acid and tyrosine. This variant is not present in population databases (ExAC no frequency). This variant has not been reported in the literature in individuals with TERT-related conditions. In summary, the available evidence is currently insufficient to determine the role of this variant in disease. Therefore, it has been classified as a Variant of Uncertain Significance.

NM_198253.3(TERT):c.2605G>T (p.Asp869Tyr)

Gene: TERT (telomerase reverse transcriptase; minus strand). Cytogenetic location: 5p15.33.
Variant type: single nucleotide variant.
Coding change: c.2605G>T on transcript NM_198253.3 (MANE Select); coding-DNA position 2605, G replaced by T.
Protein change: p.Asp869Tyr; replaces aspartic acid 869 with tyrosine.
Molecular consequence: missense variant. On other transcripts: non-coding transcript variant (2).
Genome position (GRCh38, 1-based): chr5:1,266,513, C>A on the plus strand (G>T on the coding strand, the complement: TERT is on the minus strand). VCF-style: chr5-1266513-C-A. GRCh37 (hg19) VCF-style: chr5-1266628-C-A.
Other names: c.2605G>T, p.Asp869Tyr (NM_001193376.3); short protein forms D869Y.
Identifiers: ClinVar variation 947555 (VCV000947555.10), dbSNP rs1748617474, ClinGen allele CA359073263.